The following is an entry in ClinVar:

ClinVar aggregate classification (germline): Uncertain significance (1 of 4 stars; one submission).

Conditions:
Cardiovascular phenotype. Identifiers: MedGen CN230736.

Submission:

Ambry Genetics
Classification: Uncertain significance for Cardiovascular phenotype. Last evaluated: 2025-04-17. Review status: criteria provided, single submitter. Criteria: Ambry Variant Classification Scheme 2023. Collection method: clinical testing. Allele origin: germline.
Comment: The p.V741M variant (also known as c.2221G>A), located in coding exon 20 of the ANK2 gene, results from a G to A substitution at nucleotide position 2221. The valine at codon 741 is replaced by methionine, an amino acid with highly similar properties. This amino acid position is not well conserved in available vertebrate species. In addition, this alteration is predicted to be tolerated by in silico analysis. Based on the available evidence, the clinical significance of this variant remains unclear.

NM_001148.6(ANK2):c.2221G>A (p.Val741Met)

Gene: ANK2 (ankyrin 2; plus strand). Cytogenetic location: 4q26.
Variant type: single nucleotide variant.
Coding change: c.2221G>A on transcript NM_001148.6 (MANE Select); coding-DNA position 2221, G replaced by A.
Protein change: p.Val741Met; replaces valine 741 with methionine.
Molecular consequence: missense variant.
Genome position (GRCh38, 1-based): chr4:113,288,430, G>A. VCF-style: chr4-113288430-G-A. GRCh37 (hg19) VCF-style: chr4-114209586-G-A.
Other names: c.2158G>A, p.Val720Met (NM_001127493.3, NM_001354239.2, NM_001354243.2 and 10 more transcripts); c.2221G>A, p.Val741Met (NM_001354225.2, NM_001354228.2, NM_001354232.2 and 6 more transcripts); c.2266G>A, p.Val756Met (NM_001354230.2, NM_001354231.2, NM_001354237.2 and 5 more transcripts); c.2122G>A, p.Val708Met (NM_001354245.2, NM_001354268.2); c.2134G>A, p.Val712Met (NM_001354249.2, NM_001354264.2, NM_001354266.2 and 10 more transcripts); c.2059G>A, p.Val687Met (NM_001354253.2, NM_001354257.2, NM_001354270.2 and 1 more transcripts); c.2035G>A, p.Val679Met (NM_001354260.2, NM_001354271.2, NM_001386151.1); c.2179G>A, p.Val727Met (NM_001354261.2, NM_001386147.1, NM_001386160.1); and 8 more; short protein forms V646M, V737M, V613M, V675M, V720M, V758M, V687M, V708M.
Identifiers: ClinVar variation 4050735 (VCV004050735.1).
Genomic context (GRCh38, chr4:113,288,430, plus strand): 5'-TTTTATTATTATTTACAGCTTGGTTACACACCTTTAATTGTGGCCTGTCACTATGGAAAT[G>A]TGAAAATGGTCAACTTTCTTCTGAAGCAGGGAGCAAATGTTAACGCAAAAACCAAGGTAA-3'
Protein context (NP_001139.3, residues 731-751): PLIVACHYGN[Val741Met]KMVNFLLKQG